The following is an entry in ClinVar:

NM_001429.4(EP300):c.3672-4T>C

Gene: EP300 (EP300 lysine acetyltransferase; plus strand). Cytogenetic location: 22q13.2.
Variant type: single nucleotide variant.
Coding change: c.3672-4T>C on transcript NM_001429.4 (MANE Select); 4 bases into the intron before coding-DNA position 3672, T replaced by C.
Molecular consequence: intron variant.
Genome position (GRCh38, 1-based): chr22:41,162,719, T>C. VCF-style: chr22-41162719-T-C. GRCh37 (hg19) VCF-style: chr22-41558723-T-C.
Other names: c.3594-4T>C (NM_001362843.2).
Identifiers: ClinVar variation 4996964 (VCV004996964.1).

ClinVar aggregate classification (germline): Likely benign (1 of 4 stars; one submission).

Conditions:
EP300-related disorder. Also called: EP300-related condition; EP300-related disorders.

gnomAD v4.1: 4 of 1,609,066 alleles (0.00025%); highest among the groups gnomAD compares: Non-Finnish European, 0.00034%; no homozygotes.

Submission:

PreventionGenetics, part of Exact Sciences
Classification: Likely benign for EP300-related condition. Last evaluated: 2025-08-22. Review status: criteria provided, single submitter. Criteria: ACMG Guidelines, 2015. Collection method: clinical testing. Allele origin: germline.
Comment: This variant is classified as likely benign based on ACMG/AMP sequence variant interpretation guidelines (Richards et al. 2015 PMID: 25741868, with internal and published modifications).